The following is an entry in ClinVar:

NM_000455.5(STK11):c.1173T>G (p.Cys391Trp)

Gene: STK11 (serine/threonine kinase 11; plus strand). Cytogenetic location: 19p13.3.
Variant type: single nucleotide variant.
Coding change: c.1173T>G on transcript NM_000455.5 (MANE Select); coding-DNA position 1173, T replaced by G.
Protein change: p.Cys391Trp; replaces cysteine 391 with tryptophan.
Molecular consequence: missense variant. On other transcripts: non-coding transcript variant (1).
Genome position (GRCh38, 1-based): chr19:1,226,518, T>G. VCF-style: chr19-1226518-T-G. GRCh37 (hg19) VCF-style: chr19-1226517-T-G.
Other names: short protein forms C391W.
Identifiers: ClinVar variation 2760333 (VCV002760333.3), dbSNP rs1229258407, ClinGen allele CA402953514.

ClinVar aggregate classification (germline): Uncertain significance (1 of 4 stars; one submission).

Conditions:
Peutz-Jeghers syndrome (PJS). Also called: POLYPOSIS, HAMARTOMATOUS INTESTINAL; POLYPS-AND-SPOTS SYNDROME; Peutz-Jeghers polyposis; Periorificial lentiginosis syndrome. Identifiers: Orphanet 2869, MedGen C0031269, MeSH D010580, MONDO:0008280, OMIM 175200.

Submission:

Labcorp Genetics (formerly Invitae), Labcorp
Classification: Uncertain significance for Peutz-Jeghers syndrome. Last evaluated: 2023-11-24. Review status: criteria provided, single submitter. Criteria: Invitae Variant Classification Sherloc (09022015). Collection method: clinical testing. Allele origin: germline.
Comment: This sequence change replaces cysteine, which is neutral and slightly polar, with tryptophan, which is neutral and slightly polar, at codon 391 of the STK11 protein (p.Cys391Trp). This variant is not present in population databases (gnomAD no frequency). This variant has not been reported in the literature in individuals affected with STK11-related conditions. Advanced modeling of protein sequence and biophysical properties (such as structural, functional, and spatial information, amino acid conservation, physicochemical variation, residue mobility, and thermodynamic stability) performed at Invitae indicates that this missense variant is not expected to disrupt STK11 protein function with a negative predictive value of 95%. In summary, the available evidence is currently insufficient to determine the role of this variant in disease. Therefore, it has been classified as a Variant of Uncertain Significance.